The following is an entry in ClinVar:

ClinVar aggregate classification (germline): Uncertain significance (1 of 4 stars; one submission).

Submission:

Ambry Genetics
Classification: Uncertain significance. Last evaluated: 2025-07-22. Review status: criteria provided, single submitter. Criteria: Ambry Variant Classification Scheme 2023. Collection method: clinical testing. Allele origin: germline.
Comment: The p.T308I variant (also known as c.923C>T), located in coding exon 4 of the PALLD gene, results from a C to T substitution at nucleotide position 923. The threonine at codon 308 is replaced by isoleucine, an amino acid with similar properties. This amino acid position is conserved. In addition, this alteration is predicted to be deleterious by in silico analysis. Based on the available evidence, the clinical significance of this variant remains unclear.

NM_001166108.2(PALLD):c.2435C>T (p.Thr812Ile)

Genes: CBR4 (carbonyl reductase 4; minus strand), PALLD (palladin, cytoskeletal associated protein; plus strand). Cytogenetic location: 4q32.3.
Variant type: single nucleotide variant.
Coding change: c.2435C>T on transcript NM_001166108.2 (MANE Select); coding-DNA position 2435, C replaced by T.
Protein change: p.Thr812Ile; replaces threonine 812 with isoleucine.
Molecular consequence: missense variant.
Genome position (GRCh38, 1-based): chr4:168,898,677, C>T. VCF-style: chr4-168898677-C-T. GRCh37 (hg19) VCF-style: chr4-169819828-C-T.
Other names: c.1238C>T, p.Thr413Ile (NM_001166109.2); c.923C>T, p.Thr308Ile (NM_001166110.2); c.263C>T, p.Thr88Ile (NM_001367567.1, NM_001367569.1); c.314C>T, p.Thr105Ile (NM_001367568.1, NM_001367570.1); c.2384C>T, p.Thr795Ile (NM_016081.4); short protein forms T105I, T308I, T413I, T812I, T88I, T795I.
Identifiers: ClinVar variation 4130414 (VCV004130414.1).